The following is an entry in ClinVar:

ClinVar aggregate classification (germline): Uncertain significance (1 of 4 stars; one submission).

Conditions:
Hereditary cancer-predisposing syndrome. Also called: Neoplastic Syndromes, Hereditary; Tumor predisposition; Hereditary neoplastic syndrome; Hereditary Cancer Syndrome. Identifiers: Orphanet 140162, MedGen C0027672, MeSH D009386, MONDO:0015356.

Submission:

Ambry Genetics
Classification: Uncertain significance for Hereditary cancer-predisposing syndrome. Last evaluated: 2024-06-05. Review status: criteria provided, single submitter. Criteria: Ambry Variant Classification Scheme 2023. Collection method: clinical testing. Allele origin: germline.
Comment: The p.R751G variant (also known as c.2251A>G), located in coding exon 14 of the RAD50 gene, results from an A to G substitution at nucleotide position 2251. The arginine at codon 751 is replaced by glycine, an amino acid with dissimilar properties. This amino acid position is conserved. In addition, this alteration is predicted to be deleterious by in silico analysis. Based on the available evidence, the clinical significance of this variant remains unclear.

NM_005732.4(RAD50):c.2251A>G (p.Arg751Gly)

Gene: RAD50 (RAD50 double strand break repair protein; plus strand). Cytogenetic location: 5q31.1.
Variant type: single nucleotide variant.
Coding change: c.2251A>G on transcript NM_005732.4 (MANE Select); coding-DNA position 2251, A replaced by G.
Protein change: p.Arg751Gly; replaces arginine 751 with glycine.
Molecular consequence: missense variant.
Genome position (GRCh38, 1-based): chr5:132,603,343, A>G. VCF-style: chr5-132603343-A-G. GRCh37 (hg19) VCF-style: chr5-131939035-A-G.
Other names: short protein forms R751G.
Identifiers: ClinVar variation 3312338 (VCV003312338.1).